The following is an entry in ClinVar:

NM_000899.5(KITLG):c.547T>C (p.Phe183Leu)

Gene: KITLG (KIT ligand; minus strand). Cytogenetic location: 12q21.32.
Variant type: single nucleotide variant.
Coding change: c.547T>C on transcript NM_000899.5 (MANE Select); coding-DNA position 547, T replaced by C.
Protein change: p.Phe183Leu; replaces phenylalanine 183 with leucine.
Molecular consequence: missense variant. On other transcripts: intron variant (1).
Genome position (GRCh38, 1-based): chr12:88,515,591, A>G on the plus strand (T>C on the coding strand, the complement: KITLG is on the minus strand). VCF-style: chr12-88515591-A-G. GRCh37 (hg19) VCF-style: chr12-88909368-A-G.
Other names: c.520+743T>C (NM_003994.6); short protein forms F183L.
Identifiers: ClinVar variation 3033291 (VCV003033291.3), dbSNP rs2499146186, ClinGen allele CA386121934.

ClinVar aggregate classification (germline): Uncertain significance. Review status: criteria provided, single submitter (1 of 4 stars). 2 submissions from 2 submitters: Uncertain significance (1). 1 of the submissions does not count toward it. Last evaluated 2024-08-13.

Conditions:
KITLG-related disorder. Also called: KITLG-related condition.

Submissions (2):

GeneDx
Classification: Uncertain significance. Last evaluated: 2024-08-13. Review status: criteria provided, single submitter. Criteria: GeneDx Variant Classification Process June 2021. Collection method: clinical testing. Allele origin: germline. Affected: yes.
Comment: Not observed at significant frequency in large population cohorts (gnomAD); In silico analysis indicates that this missense variant does not alter protein structure/function; Has not been previously published as pathogenic or benign to our knowledge

PreventionGenetics, part of Exact Sciences
Classification: Uncertain significance for KITLG-related condition. Last evaluated: 2023-12-08. Review status: no assertion criteria provided. Collection method: clinical testing. Allele origin: germline. Not counted in ClinVar's aggregate classification.
Comment: The KITLG c.547T>C variant is predicted to result in the amino acid substitution p.Phe183Leu. To our knowledge, this variant has not been reported in the literature or in a large population database, indicating this variant is rare. At this time, the clinical significance of this variant is uncertain due to the absence of conclusive functional and genetic evidence.